The following is an entry in ClinVar:

ClinVar aggregate classification (germline): Uncertain significance (1 of 4 stars; one submission).

Conditions:
Hereditary nonpolyposis colorectal neoplasms. Identifiers: MedGen C0009405, MeSH D003123.

Submission:

Labcorp Genetics (formerly Invitae), Labcorp
Classification: Uncertain significance for Hereditary nonpolyposis colorectal neoplasms. Last evaluated: 2023-04-22. Review status: criteria provided, single submitter. Criteria: Invitae Variant Classification Sherloc (09022015). Collection method: clinical testing. Allele origin: germline.
Comment: This sequence change replaces alanine, which is neutral and non-polar, with proline, which is neutral and non-polar, at codon 116 of the PMS2 protein (p.Ala116Pro). This variant is not present in population databases (gnomAD no frequency). This variant has not been reported in the literature in individuals affected with PMS2-related conditions. Advanced modeling of protein sequence and biophysical properties (such as structural, functional, and spatial information, amino acid conservation, physicochemical variation, residue mobility, and thermodynamic stability) performed at Invitae indicates that this missense variant is expected to disrupt PMS2 protein function. In summary, the available evidence is currently insufficient to determine the role of this variant in disease. Therefore, it has been classified as a Variant of Uncertain Significance.

NM_000535.7(PMS2):c.346G>C (p.Ala116Pro)

Gene: PMS2 (PMS1 homolog 2, mismatch repair system component; minus strand). Cytogenetic location: 7p22.1.
Variant type: single nucleotide variant.
Coding change: c.346G>C on transcript NM_000535.7 (MANE Select); coding-DNA position 346, G replaced by C.
Protein change: p.Ala116Pro; replaces alanine 116 with proline.
Molecular consequence: missense variant. On other transcripts: 5 prime UTR variant (24), non-coding transcript variant (1), intron variant (22).
Genome position (GRCh38, 1-based): chr7:6,003,697, C>G on the plus strand (G>C on the coding strand, the complement: PMS2 is on the minus strand). VCF-style: chr7-6003697-C-G. GRCh37 (hg19) VCF-style: chr7-6043328-C-G.
Other names: c.-60G>C (NM_001018040.1, NM_001322003.2, NM_001322004.2 and 14 more transcripts); c.346G>C, p.Ala116Pro (NM_001322006.2, NM_001322014.2, NM_001406869.1 and 8 more transcripts); c.-539G>C (NM_001322011.2, NM_001322012.2); c.-139G>C (NM_001322015.2, NM_001406875.1, NM_001406877.1 and 3 more transcripts); c.532G>C, p.Ala178Pro (NM_001406866.1); c.370G>C, p.Ala124Pro (NM_001406868.1); c.35+275G>C (NM_001322008.2, NM_001406902.1, NM_001406883.1 and 4 more transcripts); c.-132+275G>C (NM_001406881.1, NM_001406900.1); and 5 more; short protein forms A116P, A124P, A178P.
Identifiers: ClinVar variation 2858154 (VCV002858154.3), dbSNP rs751799116, ClinGen allele CA366744537.
Genomic context (GRCh38, chr7:6,003,697, plus strand): 5'-TTCAGAGAGGTTTCTCTAAGGGGTCAAGTGAGTGGATAAAAATATTGTATCACCTCAGTG[C>G]ACAAAGTGAGCTCAGAGCTTCCCCCCGAAAGCCAAAAGTTTCAACCTGAGTTAGGTCGGC-3'
Protein context (NP_000526.2, residues 106-126): FRGEALSSLC[Ala116Pro]LSDVTISTCH